The following is an entry in ClinVar:

NM_015378.4(VPS13D):c.6580C>T (p.Arg2194Ter)

Gene: VPS13D (vacuolar protein sorting 13 homolog D; plus strand). Cytogenetic location: 1p36.22.
Variant type: single nucleotide variant.
Coding change: c.6580C>T on transcript NM_015378.4 (MANE Select); coding-DNA position 6580, C replaced by T.
Protein change: p.Arg2194Ter; replaces arginine 2194 with a stop codon.
Molecular consequence: nonsense.
Genome position (GRCh38, 1-based): chr1:12,308,571, C>T. VCF-style: chr1-12308571-C-T. GRCh37 (hg19) VCF-style: chr1-12368628-C-T.
Other names: c.6580C>T, p.Arg2194Ter (NM_018156.4); short protein forms R2194*.
Identifiers: ClinVar variation 3614956 (VCV003614956.2).

ClinVar aggregate classification (germline): Pathogenic (1 of 4 stars; one submission).

gnomAD v4.1: 3 of 1,612,914 alleles (0.00019%); highest among the groups gnomAD compares: South Asian, 0.0011%; no homozygotes.

Submission:

Labcorp Genetics (formerly Invitae), Labcorp
Classification: Pathogenic. Last evaluated: 2024-03-15. Review status: criteria provided, single submitter. Criteria: Invitae Variant Classification Sherloc (09022015). Collection method: clinical testing. Allele origin: germline.
Comment: This sequence change creates a premature translational stop signal (p.Arg2194*) in the VPS13D gene. It is expected to result in an absent or disrupted protein product. Loss-of-function variants in VPS13D are known to be pathogenic (PMID: 29518281). This variant is not present in population databases (gnomAD no frequency). This variant has not been reported in the literature in individuals affected with VPS13D-related conditions. For these reasons, this variant has been classified as Pathogenic.

Literature cited by the submitters: PubMed 29518281.